The following is an entry in ClinVar:

NM_012418.4(FSCN2):c.578A>G (p.Tyr193Cys)

Gene: FSCN2 (fascin actin-bundling protein 2, retinal; plus strand). Cytogenetic location: 17q25.3.
Variant type: single nucleotide variant.
Coding change: c.578A>G on transcript NM_012418.4 (MANE Select); coding-DNA position 578, A replaced by G.
Protein change: p.Tyr193Cys; replaces tyrosine 193 with cysteine.
Molecular consequence: missense variant.
Genome position (GRCh38, 1-based): chr17:81,529,109, A>G. VCF-style: chr17-81529109-A-G. GRCh37 (hg19) VCF-style: chr17-79496135-A-G.
Other names: c.578A>G, p.Tyr193Cys (NM_001077182.3); short protein forms Y193C.
Identifiers: ClinVar variation 1363299 (VCV001363299.8), dbSNP rs2143850377, ClinGen allele CA401471781.

ClinVar aggregate classification (germline): Uncertain significance (1 of 4 stars; one submission).

Allele frequency attached by ClinVar (database versions not stated): gnomAD exomes below 0.00001.
gnomAD v4.1: 2 of 1,586,572 alleles (0.00013%); highest among the groups gnomAD compares: Non-Finnish European, 0.000086%; no homozygotes.

Submission:

Labcorp Genetics (formerly Invitae), Labcorp
Classification: Uncertain significance. Last evaluated: 2021-06-23. Review status: criteria provided, single submitter. Criteria: Invitae Variant Classification Sherloc (09022015). Collection method: clinical testing. Allele origin: germline.
Comment: This variant is not present in population databases (ExAC no frequency). In summary, the available evidence is currently insufficient to determine the role of this variant in disease. Therefore, it has been classified as a Variant of Uncertain Significance. Algorithms developed to predict the effect of missense changes on protein structure and function are either unavailable or do not agree on the potential impact of this missense change (SIFT: "Deleterious"; PolyPhen-2: "Probably Damaging"; Align-GVGD: "Class C0"). This variant has not been reported in the literature in individuals with FSCN2-related conditions. This sequence change replaces tyrosine with cysteine at codon 193 of the FSCN2 protein (p.Tyr193Cys). The tyrosine residue is highly conserved and there is a large physicochemical difference between tyrosine and cysteine.